The following is an entry in ClinVar:

NC_012920.1(MT-ATP8):m.8496T>C

Gene: MT-ATP8 (mitochondrially encoded ATP synthase 8; plus strand).
Variant type: single nucleotide variant.
Genome position: chrM-8496-T-C.
Identifiers: ClinVar variation 692877 (VCV000692877.1), dbSNP rs1603221534, ClinGen allele CA414796355.
Genomic context (GRCh38, chrMT:8,496, plus strand): 5'-CCCAACTAAAAATATTAAACACAAACTACCACCTACCTCCCTCACCAAAGCCCATAAAAA[T>C]AAAAAATTATAACAAACCCTGAGAACCAAAATGAACGAAAATCTGTTCGCTTCATTCATT-3'

ClinVar aggregate classification (germline): Benign (1 of 4 stars; one submission).

Conditions:
Leigh syndrome (NULS). Also called: Leigh's necrotizing encephalopathy; Leigh's disease; Leigh Syndrome (mtDNA deletion); Leigh Disease; Subacute necrotizing encephalopathy; Necrotizing encephalopathy infantile subacute of Leigh. Identifiers: Orphanet 506, MedGen C2931891, MONDO:0009723, OMIM 256000.

Submission:

Wong Mito Lab, Molecular and Human Genetics, Baylor College of Medicine
Classification: Benign for Leigh syndrome. Last evaluated: 2019-10-17. Review status: criteria provided, single submitter. Criteria: Modified ACMG Guidelines (Unpublished). Collection method: clinical testing. Allele origin: germline.
Comment: The NC_012920.1:m.8496T>C (YP_003024030.1:p.Met44Thr) variant in MTATP8 gene is interpretated to be a Benign variant based on the modified ACMG guidelines (unpublished). This variant meets the following evidence codes: BS1, BS4